The following is an entry in ClinVar:

NM_004260.4(RECQL4):c.3503-9C>T

Gene: RECQL4 (RecQ like helicase 4; minus strand). Cytogenetic location: 8q24.3.
Variant type: single nucleotide variant.
Coding change: c.3503-9C>T on transcript NM_004260.4 (MANE Select); 9 bases into the intron before coding-DNA position 3503, C replaced by T.
Molecular consequence: intron variant.
Genome position (GRCh38, 1-based): chr8:144,511,564, G>A on the plus strand (C>T on the coding strand, the complement: RECQL4 is on the minus strand). VCF-style: chr8-144511564-G-A. GRCh37 (hg19) VCF-style: chr8-145736947-G-A.
Other names: c.3503-9C>T (NM_004260.3).
Identifiers: ClinVar variation 2197838 (VCV002197838.7), dbSNP rs35042350, ClinGen allele CA187678277.

ClinVar aggregate classification (germline): Conflicting classifications of pathogenicity. Review status: criteria provided, conflicting classifications (1 of 4 stars). 3 submissions from 3 submitters: Uncertain significance (1); Likely benign (2). Last evaluated 2025-11-26.

Conditions:
RECQL4-related disorder. Also called: RECQL4-related disorders; RECQL4-related condition.
Baller-Gerold syndrome (BGS). Also called: CRANIOSYNOSTOSIS WITH RADIAL DEFECTS. Identifiers: Orphanet 1225, MedGen C0265308, MONDO:0009039, OMIM 218600.

Allele frequency attached by ClinVar (database versions not stated): gnomAD 0.00001; TOPMed 0.00002; ESP Exome Variant Server 0.00008; 1000 Genomes Project 0.00020; 1000 Genomes Project 30x 0.00031.
gnomAD v4.1: 2 of 1,611,470 alleles (0.00012%); highest among the groups gnomAD compares: African/African-American, 0.0027%; no homozygotes.

Submissions (3):

Dasa
Classification: Uncertain significance. Last evaluated: 2025-11-26. Review status: criteria provided, single submitter. Criteria: DASA Assertion Criteria. Collection method: clinical testing. Allele origin: germline.
Comment: NM_004260.4(RECQL4):c.3503-9C>T is a splice-region variant. This variant is rare in population databases. Computational prediction algorithms are consistent with a benign effect. The currently available literature and clinical evidence are not sufficient to establish a definitive association between this variant and the reported condition. Therefore, this variant is classified as a variant of uncertain significance.

Labcorp Genetics (formerly Invitae), Labcorp
Classification: Likely benign for Baller-Gerold syndrome. Last evaluated: 2025-09-23. Review status: criteria provided, single submitter. Criteria: Invitae Variant Classification Sherloc (09022015). Collection method: clinical testing. Allele origin: germline.

PreventionGenetics, part of Exact Sciences
Classification: Likely benign for RECQL4-related condition. Last evaluated: 2025-05-14. Review status: criteria provided, single submitter. Criteria: ACMG Guidelines, 2015. Collection method: clinical testing. Allele origin: germline.
Comment: This variant is classified as likely benign based on ACMG/AMP sequence variant interpretation guidelines (Richards et al. 2015 PMID: 25741868, with internal and published modifications).